The following is an entry in ClinVar:

NM_001276270.2(MBD4):c.1258+1G>A

Gene: MBD4 (methyl-CpG binding domain 4, DNA glycosylase; minus strand). Cytogenetic location: 3q21.3.
Variant type: single nucleotide variant.
Coding change: c.1258+1G>A on transcript NM_001276270.2 (MANE Select); the canonical splice donor site of the intron after coding-DNA position 1258, G replaced by A.
Molecular consequence: splice donor variant.
Genome position (GRCh38, 1-based): chr3:129,434,061, C>T on the plus strand (G>A on the coding strand, the complement: MBD4 is on the minus strand). VCF-style: chr3-129434061-C-T. GRCh37 (hg19) VCF-style: chr3-129152904-C-T.
Other names: c.322+1G>A (NM_001276273.2); c.1276+1G>A (NM_001276272.2, NM_003925.3, NM_001276271.2).
Identifiers: ClinVar variation 3691022 (VCV003691022.3).

ClinVar aggregate classification (germline): Conflicting classifications of pathogenicity. Review status: criteria provided, conflicting classifications (1 of 4 stars). 2 submissions from 2 submitters: Likely pathogenic (1); Uncertain significance (1). Last evaluated 2025-04-30.

Conditions:
Inborn genetic diseases. Identifiers: MedGen C0950123, MeSH D030342.

gnomAD v4.1: 3 of 1,613,886 alleles (0.00019%); highest among the groups gnomAD compares: African/African-American, 0.004%; no homozygotes.

Submissions (2):

Ambry Genetics
Classification: Uncertain significance for Inborn genetic diseases. Last evaluated: 2025-04-30. Review status: criteria provided, single submitter. Criteria: Ambry Variant Classification Scheme 2023. Collection method: clinical testing. Allele origin: germline.
Comment: The c.1258+1G>A intronic variant results from a G to A substitution one nucleotide after coding exon 4 of the MBD4 gene. Alterations that disrupt the canonical splice site are expected to result in aberrant splicing. In silico splice site analysis predicts that this alteration will weaken the native splice donor site. A resulting transcript is predicted to be in-frame and is not expected to trigger nonsense-mediated mRNAdecay; although, direct evidence is unavailable. This nucleotide position is highly conserved in available vertebrate species. Based on the available evidence, the clinical significance of this variant remains unclear.

Labcorp Genetics (formerly Invitae), Labcorp
Classification: Likely pathogenic. Last evaluated: 2025-01-02. Review status: criteria provided, single submitter. Criteria: Invitae Variant Classification Sherloc (09022015). Collection method: clinical testing. Allele origin: germline.
Comment: This sequence change affects a donor splice site in intron 4 of the MBD4 gene. It is expected to disrupt RNA splicing. Variants that disrupt the donor or acceptor splice site typically lead to a loss of protein function (PMID: 16199547), and loss-of-function variants in MBD4 are known to be pathogenic (PMID: 30049810, 35460607). This variant is present in population databases (no rsID available, gnomAD 0.01%). This variant has not been reported in the literature in individuals affected with MBD4-related conditions. Algorithms developed to predict the effect of sequence changes on RNA splicing suggest that this variant may disrupt the consensus splice site. In summary, the currently available evidence indicates that the variant is pathogenic, but additional data are needed to prove that conclusively. Therefore, this variant has been classified as Likely Pathogenic.

Literature cited by the submitters: PubMed 16199547 (cited by Labcorp Genetics (formerly Invitae), Labcorp); PubMed 30049810 (cited by Labcorp Genetics (formerly Invitae), Labcorp); PubMed 35460607 (cited by Labcorp Genetics (formerly Invitae), Labcorp).